The following is an entry in ClinVar:

ClinVar aggregate classification (germline): Likely benign. Review status: criteria provided, multiple submitters, no conflicts (2 of 4 stars). 3 submissions from 3 submitters: Likely benign (3). Last evaluated 2026-07-28.

Conditions:
Inborn genetic diseases. Identifiers: MedGen C0950123, MeSH D030342.
CHD3-related disorder. Also called: CHD3-related condition.

Allele frequency attached by ClinVar (database versions not stated): ExAC 0.00003; gnomAD exomes 0.00003.
gnomAD v4.1: 54 of 1,613,908 alleles (0.0033%); highest among the groups gnomAD compares: Middle Eastern, 0.016%; no homozygotes.

Submissions (3):

PreventionGenetics, part of Exact Sciences
Classification: Likely benign for CHD3-related condition. Last evaluated: 2026-07-28. Review status: criteria provided, single submitter. Criteria: ACMG Guidelines, 2015. Collection method: clinical testing. Allele origin: germline.
Comment: This variant is classified as likely benign based on ACMG/AMP sequence variant interpretation guidelines (Richards et al. 2015 PMID: 25741868, with internal and published modifications).

CeGaT Center for Human Genetics Tuebingen
Classification: Likely benign. Last evaluated: 2025-02-01. Review status: criteria provided, single submitter. Criteria: CeGaT Center For Human Genetics Tuebingen Variant Classification Criteria Version 2. Collection method: clinical testing. Allele origin: germline. Affected: yes. Observed: 1 variant allele.
Comment: CHD3: BS2

Ambry Genetics
Classification: Likely benign for Inborn genetic diseases. Last evaluated: 2022-07-27. Review status: criteria provided, single submitter. Criteria: Ambry Variant Classification Scheme 2023. Collection method: clinical testing. Allele origin: germline.

NM_001005273.3(CHD3):c.1619G>A (p.Arg540His)

Gene: CHD3 (chromodomain helicase DNA binding protein 3; plus strand). Cytogenetic location: 17p13.1.
Variant type: single nucleotide variant.
Coding change: c.1619G>A on transcript NM_001005273.3 (MANE Select); coding-DNA position 1619, G replaced by A.
Protein change: p.Arg540His; replaces arginine 540 with histidine.
Molecular consequence: missense variant.
Genome position (GRCh38, 1-based): chr17:7,895,454, G>A. VCF-style: chr17-7895454-G-A. GRCh37 (hg19) VCF-style: chr17-7798772-G-A.
Other names: c.1796G>A, p.Arg599His (NM_001005271.3); c.1619G>A, p.Arg540His (NM_005852.4); short protein forms R599H, R540H.
Identifiers: ClinVar variation 2380902 (VCV002380902.16), dbSNP rs754854794, ClinGen allele CA8362712.